The following is an entry in ClinVar:

NC_000011.10:g.(?_5225465)_(5227072_?)del

Gene: HBB (hemoglobin subunit beta; minus strand). Cytogenetic location: 11p15.4.
Variant type: Deletion.
Identifiers: ClinVar variation 982009 (VCV000982009.1).

ClinVar aggregate classification (germline): Pathogenic (1 of 4 stars; one submission).

Conditions:
beta Thalassemia (BTHAL). Also called: Cooley's anemia; Erythroblastic anemia; Mediterranean anemia. Identifiers: Orphanet 848, MedGen C0005283, MONDO:0019402. Disease mechanism: loss of function.

Submission:

Women's Health and Genetics/Laboratory Corporation of America, LabCorp
Classification: Pathogenic for beta Thalassemia. Last evaluated: 2019-06-10. Review status: criteria provided, single submitter. Criteria: LabCorp Variant Classification Summary - May 2015. Collection method: clinical testing. Allele origin: germline.
Comment: Variant summary: The variant identified by MLPA or other technology involves the deletion of all exons (1-3) in the HBB gene. A presumed nomenclature of c.(?_-51)_(*133_?)del has been designated for the purposes of this classification. Although exact breakpoints of this deletion are not known, it is expected to result in deletion of the entire HBB gene, a known mechanism of disease. The frequency of this variant in the general population could not be determined as the technology used for large population databases (ExAC, gnomAD, ESP, 1000G) cannot detect variants of this type. This variant, also known as Thai or 3485 bp deletion or the Thai deletion beta0, has been reported in individuals affected with Beta Thalassemia (Boonyawat_2014; Lynch_1991; Sanguansermsri_1990). These data indicate that the variant is likely to be associated with disease. To our knowledge, no experimental evidence demonstrating an impact on protein function has been reported. No clinical diagnostic laboratories have submitted clinical-significance assessments for this variant to ClinVar after 2014. Based on the evidence outlined above, the variant was classified as pathogenic.

Literature cited by the submitters: PubMed 24450243; PubMed 2272839; PubMed 25525381; PubMed 2071159.